The following is an entry in ClinVar:

NM_014991.6(WDFY3):c.3291C>G (p.Pro1097=)

Gene: WDFY3 (WD repeat and FYVE domain containing 3; minus strand). Cytogenetic location: 4q21.23.
Variant type: single nucleotide variant.
Coding change: c.3291C>G on transcript NM_014991.6 (MANE Select); coding-DNA position 3291, C replaced by G.
Protein change: p.Pro1097=; no amino-acid change (proline 1097 retained).
Molecular consequence: synonymous variant.
Genome position (GRCh38, 1-based): chr4:84,794,715, G>C on the plus strand (C>G on the coding strand, the complement: WDFY3 is on the minus strand). VCF-style: chr4-84794715-G-C. GRCh37 (hg19) VCF-style: chr4-85715868-G-C.
Identifiers: ClinVar variation 3041495 (VCV003041495.2), dbSNP rs764976163, ClinGen allele CA2993515.
Genomic context (GRCh38, chr4:84,794,715, plus strand): 5'-GTTATTTGGAGGAGAACTAAAATGTTCAATACAAAACCAGCTAGAGTAACTTAAGCCGGA[G>C]GGAGGAGGGAAGAATCTTTCACCTACAGTAAAAATTAAAAAAAAAAGTCTGTGTTGATTA-3'
Protein context (NP_055806.2, residues 1087-1107): IGSGERFFPP[Pro1097=]SGLSYSSWFC

ClinVar aggregate classification (germline): Likely benign (0 of 4 stars; one submission).

Conditions:
WDFY3-related disorder.

Allele frequency attached by ClinVar (database versions not stated): ExAC 0.00001.

Submission:

PreventionGenetics, part of Exact Sciences
Classification: Likely benign for WDFY3-related condition. Last evaluated: 2019-05-08. Review status: no assertion criteria provided. Collection method: clinical testing. Allele origin: germline.
Comment: This variant is classified as likely benign based on ACMG/AMP sequence variant interpretation guidelines (Richards et al. 2015 PMID: 25741868, with internal and published modifications).